The following is an entry in ClinVar:

NM_001258392.3(CLPB):c.1955T>A (p.Ile652Asn)

Gene: CLPB (ClpB family mitochondrial disaggregase; minus strand). Cytogenetic location: 11q13.4.
Variant type: single nucleotide variant.
Coding change: c.1955T>A on transcript NM_001258392.3 (MANE Select); coding-DNA position 1955, T replaced by A.
Protein change: p.Ile652Asn; replaces isoleucine 652 with asparagine.
Molecular consequence: missense variant.
Genome position (GRCh38, 1-based): chr11:72,293,446, A>T on the plus strand (T>A on the coding strand, the complement: CLPB is on the minus strand). VCF-style: chr11-72293446-A-T. GRCh37 (hg19) VCF-style: chr11-72004490-A-T.
Other names: c.1868T>A, p.Ile623Asn (NM_001258393.3); c.1910T>A, p.Ile637Asn (NM_001258394.3); c.2045T>A, p.Ile682Asn (NM_030813.6); short protein forms I682N, I652N, I637N, I623N.
Identifiers: ClinVar variation 279613 (VCV000279613.3), dbSNP rs886041120, ClinGen allele CA10602723.

ClinVar aggregate classification (germline): Uncertain significance. Review status: criteria provided, single submitter (1 of 4 stars). 2 submissions from 2 submitters: Uncertain significance (1). 1 of the submissions does not count toward it. Last evaluated 2025-06-12.

Conditions:
3-methylglutaconic aciduria, type VIIB (MGCA7B). Also called: CLPB Deficiency; 3-methylglutaconic aciduria with cataracts, neurologic involvement and neutropenia; 3-methylglutaconic aciduria, type VII, with cataracts, neurologic involvement and neutropenia. Identifiers: Orphanet 445038, MedGen C5676893, MONDO:0014561, OMIM 616271.

Submissions (2):

Labcorp Genetics (formerly Invitae), Labcorp
Classification: Uncertain significance for 3-methylglutaconic aciduria, type VIIB. Last evaluated: 2025-06-12. Review status: criteria provided, single submitter. Criteria: Invitae Variant Classification Sherloc (09022015). Collection method: clinical testing. Allele origin: germline.
Comment: This sequence change replaces isoleucine, which is neutral and non-polar, with asparagine, which is neutral and polar, at codon 682 of the CLPB protein (p.Ile682Asn). This variant is not present in population databases (gnomAD no frequency). This missense change has been observed in individual(s) with 3-methylglutaconic aciduria (PMID: 25597510, 27290639). ClinVar contains an entry for this variant (Variation ID: 279613). An algorithm developed to predict the effect of missense changes on protein structure and function (PolyPhen-2) suggests that this variant is likely to be disruptive. In summary, the available evidence is currently insufficient to determine the role of this variant in disease. Therefore, it has been classified as a Variant of Uncertain Significance.

GeneReviews
No classification provided. Condition: 3-methylglutaconic aciduria, type VIIB. Review status: no classification provided. Collection method: literature only. Allele origin: germline. Affected: yes. Not counted in ClinVar's aggregate classification.

Literature cited by the submitters: PubMed 25597510 (cited by Labcorp Genetics (formerly Invitae), Labcorp and GeneReviews); PubMed 27290639 (cited by Labcorp Genetics (formerly Invitae), Labcorp); NCBI Bookshelf NBK396257 (cited by GeneReviews).